The following is an entry in ClinVar:

ClinVar aggregate classification (germline): Pathogenic (1 of 4 stars; one submission).

Conditions:
Wilson disease (WND). Also called: Wilson's disease. Identifiers: Orphanet 905, MedGen C0019202, MONDO:0010200, OMIM 277900. Disease mechanism: loss of function.

Submission:

Labcorp Genetics (formerly Invitae), Labcorp
Classification: Pathogenic for Wilson disease. Last evaluated: 2023-07-16. Review status: criteria provided, single submitter. Criteria: Invitae Variant Classification Sherloc (09022015). Collection method: clinical testing. Allele origin: germline.
Comment: For these reasons, this variant has been classified as Pathogenic. This variant disrupts a region of the ATP7B protein in which other variant(s) (p.Arg1459Glyfs*2) have been determined to be pathogenic (PMID: 26799313). This suggests that this is a clinically significant region of the protein, and that variants that disrupt it are likely to be disease-causing. This variant has not been reported in the literature in individuals affected with ATP7B-related conditions. This variant is not present in population databases (gnomAD no frequency). This sequence change results in a frameshift in the ATP7B gene (p.Gly1458Alafs*27). While this is not anticipated to result in nonsense mediated decay, it is expected to disrupt the last 8 amino acid(s) of the ATP7B protein and extend the protein by 18 additional amino acid residues.

Literature cited by the submitters: PubMed 26799313.

NM_000053.4(ATP7B):c.4373del (p.Gly1458fs)

Gene: ATP7B (ATPase copper transporting beta; minus strand). Cytogenetic location: 13q14.3.
Variant type: Deletion.
Coding change: c.4373del on transcript NM_000053.4 (MANE Select); coding-DNA position 4373, one base deleted (G; older notation c.4373delG).
Protein change: p.Gly1458fs; shifts the reading frame from glycine 1458.
Molecular consequence: frameshift variant.
Genome position (GRCh38, 1-based): chr13:51,934,781, C deleted on the plus strand (G on the coding strand, the reverse complement: ATP7B is on the minus strand); the first of 2 consecutive C bases (chr13:51,934,781-51,934,782); deleting either gives the same sequence. VCF-style (leftmost placement, unchanged base first): chr13-51934780-GC-G. GRCh37 (hg19) VCF-style: chr13-52508916-GC-G.
Other names: c.3752del, p.Gly1251fs (NM_001005918.3); c.4040del, p.Gly1347fs (NM_001243182.2); c.4139del, p.Gly1380fs (NM_001330578.2, NM_001406527.1, NM_001406528.1); c.4121del, p.Gly1374fs (NM_001330579.2, NM_001406531.1, NM_001406532.1); c.4373del, p.Gly1458fs (NM_001406511.1, NM_001406512.1); c.4367del, p.Gly1456fs (NM_001406513.1); c.4340del, p.Gly1447fs (NM_001406514.1); c.4319del, p.Gly1440fs (NM_001406515.1, NM_001406516.1); and 21 more; short protein forms G1028fs, G1251fs, G1347fs, G1362fs, G1399fs, G1309fs, G1315fs, G1332fs.
Identifiers: ClinVar variation 2743655 (VCV002743655.3), dbSNP rs2547539500, ClinGen allele CA2697551863.
Genomic context (GRCh38, chr13:51,934,780, plus strand): 5'-GGCAAGTCCCTGCCCCGGCCCGCCTGCCTGAAGTCATCAGATGTACTGCTCCTCATCCCT[GC>G]CATTCAGGAGCAGAGACCACTTGTCCCCATCATCGTCTGCTGCAGCGCTGTGCCGAGATG-3'